The following is an entry in ClinVar:

NM_002294.3(LAMP2):c.566G>A (p.Cys189Tyr)

Gene: LAMP2 (lysosome associated membrane protein 2; minus strand). Cytogenetic location: Xq24.
Variant type: single nucleotide variant.
Coding change: c.566G>A on transcript NM_002294.3 (MANE Select); coding-DNA position 566, G replaced by A.
Protein change: p.Cys189Tyr; replaces cysteine 189 with tyrosine.
Molecular consequence: missense variant.
Genome position (GRCh38, 1-based): chrX:120,448,016, C>T on the plus strand (G>A on the coding strand, the complement: LAMP2 is on the minus strand). VCF-style: chrX-120448016-C-T. GRCh37 (hg19) VCF-style: chrX-119581871-C-T.
Other names: c.566G>A, p.Cys189Tyr (NM_001122606.1, NM_013995.2); short protein forms C189Y.
Identifiers: ClinVar variation 463158 (VCV000463158.8), dbSNP rs750457485, ClinGen allele CA10505281.

ClinVar aggregate classification (germline): Uncertain significance (1 of 4 stars; one submission).

Conditions:
Danon disease. Also called: PSEUDOGLYCOGENOSIS II; GSD IIb; LYSOSOMAL GLYCOGEN STORAGE DISEASE WITHOUT ACID MALTASE DEFICIENCY; ANTOPOL DISEASE; Glycogen Storage Disease Type IIb. Identifiers: Orphanet 34587, MedGen C0878677, MONDO:0010281, OMIM 300257.

Allele frequency attached by ClinVar (database versions not stated): ExAC 0.00001; gnomAD exomes 0.00001.

Submission:

Labcorp Genetics (formerly Invitae), Labcorp
Classification: Uncertain significance for Danon disease. Last evaluated: 2022-03-26. Review status: criteria provided, single submitter. Criteria: Invitae Variant Classification Sherloc (09022015). Collection method: clinical testing. Allele origin: germline.
Comment: In summary, the available evidence is currently insufficient to determine the role of this variant in disease. Therefore, it has been classified as a Variant of Uncertain Significance. Algorithms developed to predict the effect of missense changes on protein structure and function are either unavailable or do not agree on the potential impact of this missense change (SIFT: "Deleterious"; PolyPhen-2: "Probably Damaging"; Align-GVGD: "Class C0"). ClinVar contains an entry for this variant (Variation ID: 463158). This variant has not been reported in the literature in individuals affected with LAMP2-related conditions. This variant is present in population databases (rs750457485, gnomAD 0.005%), including at least one homozygous and/or hemizygous individual. This sequence change replaces cysteine, which is neutral and slightly polar, with tyrosine, which is neutral and polar, at codon 189 of the LAMP2 protein (p.Cys189Tyr).